The following is an entry in ClinVar:

NM_172362.3(KCNH1):c.2554A>G (p.Lys852Glu)

Gene: KCNH1 (potassium voltage-gated channel subfamily H member 1; minus strand). Cytogenetic location: 1q32.2.
Variant type: single nucleotide variant.
Coding change: c.2554A>G on transcript NM_172362.3 (MANE Select); coding-DNA position 2554, A replaced by G.
Protein change: p.Lys852Glu; replaces lysine 852 with glutamic acid.
Molecular consequence: missense variant.
Genome position (GRCh38, 1-based): chr1:210,683,697, T>C on the plus strand (A>G on the coding strand, the complement: KCNH1 is on the minus strand). VCF-style: chr1-210683697-T-C. GRCh37 (hg19) VCF-style: chr1-210857039-T-C.
Other names: c.2473A>G, p.Lys825Glu (NM_002238.4); short protein forms K852E, K825E.
Identifiers: ClinVar variation 1446427 (VCV001446427.6), dbSNP rs2149000856, ClinGen allele CA344870934.

ClinVar aggregate classification (germline): Uncertain significance (1 of 4 stars; one submission).

gnomAD v4.1: 1 of 1,614,232 alleles (0.000062%); highest among the groups gnomAD compares: South Asian, 0.0011%; no homozygotes.

Submission:

Labcorp Genetics (formerly Invitae), Labcorp
Classification: Uncertain significance. Last evaluated: 2021-08-11. Review status: criteria provided, single submitter. Criteria: Invitae Variant Classification Sherloc (09022015). Collection method: clinical testing. Allele origin: germline.
Comment: In summary, the available evidence is currently insufficient to determine the role of this variant in disease. Therefore, it has been classified as a Variant of Uncertain Significance. Advanced modeling of protein sequence and biophysical properties (such as structural, functional, and spatial information, amino acid conservation, physicochemical variation, residue mobility, and thermodynamic stability) performed at Invitae indicates that this missense variant is not expected to disrupt KCNH1 protein function. This variant has not been reported in the literature in individuals affected with KCNH1-related conditions. This variant is not present in population databases (ExAC no frequency). This sequence change replaces lysine with glutamic acid at codon 852 of the KCNH1 protein (p.Lys852Glu). The lysine residue is moderately conserved and there is a small physicochemical difference between lysine and glutamic acid.